The following is an entry in ClinVar:

GRCh37/hg19 Xp21.1(chrX:31761312-31876380)x0

Gene: DMD (dystrophin; minus strand). Cytogenetic location: Xp21.1.
Variant type: copy number loss.
Change: copy number 0 of chrX:31,761,312-31,876,380 (115.1 kb, GRCh37 coordinates, 1-based), cytogenetic band Xp21.1.
Identifiers: ClinVar variation 1340324 (VCV001340324.1).

ClinVar aggregate classification (germline): Pathogenic (0 of 4 stars; one submission).

Submission:

Quest Diagnostics Nichols Institute San Juan Capistrano
Classification: Pathogenic. Last evaluated: 2021-04-01. Review status: no assertion criteria provided. Collection method: clinical testing. Allele origin: germline.
Comment: This imbalance may cause phenotypic and/or developmental abnormalities. It includes 3 exons of the DMD gene (300377). Whole gene and intragenic DMD deletions, as well as intragenic duplications and sequence-level mutations, have been identified in a spectrum of muscle diseases known as the dystrophinopathies; Duchenne Muscular Dystrophy (DMD; #310200), Becker Muscular Dystrophy (BMD; #300376), and dilated cardiomyopathy 3B (CMD3B; #302045), all of which involve progressive deterioration of muscle tissue and resultant weakness. Norman and Harper (Clin. Genet. 36: 31-37, 1989) concluded that 2.5% of heterozygotes for the Duchenne/Becker gene have symptoms. Duchenne and Becker muscular dystrophy are generally defined as X-linked recessive.